The following is an entry in ClinVar:

ClinVar aggregate classification (germline): Uncertain significance. Review status: criteria provided, multiple submitters, no conflicts (2 of 4 stars). 2 submissions from 2 submitters: Uncertain significance (2). Last evaluated 2016-09-05.

Allele frequency attached by ClinVar (database versions not stated): gnomAD exomes below 0.00001; ExAC 0.00001.
gnomAD v4.1: 8 of 1,613,960 alleles (0.0005%); highest among the groups gnomAD compares: Non-Finnish European, 0.00068%; no homozygotes.

Submissions (2):

Eurofins Ntd Llc (ga)
Classification: Uncertain significance. Last evaluated: 2016-09-05. Review status: criteria provided, single submitter. Criteria: EGL Classification Definitions 2015. Collection method: clinical testing. Allele origin: germline. Observed: 2 variant alleles, 2 heterozygotes.

Laboratory for Molecular Medicine, Mass General Brigham Personalized Medicine
Classification: Uncertain significance. Last evaluated: 2015-04-04. Review status: criteria provided, single submitter. Criteria: LMM Criteria. Collection method: clinical testing. Allele origin: germline. Observed: 1 variant allele.
Comment: The p.Ser14Ile variant in TTN has not been reported in individuals with cardiomy opathy, but has been identified in 1/65982 European chromosomes by the Exome Agg regation Consortium (ExAC). Computational predic tion tools and conservation analysis do not provide strong support for or agains t an impact to the protein. In summary, the clinical significance of the p.Ser14 Ile variant is uncertain.

NM_001267550.2(TTN):c.41G>T (p.Ser14Ile)

Gene: TTN (titin; minus strand). Cytogenetic location: 2q31.2.
Variant type: single nucleotide variant.
Coding change: c.41G>T on transcript NM_001267550.2 (MANE Select); coding-DNA position 41, G replaced by T.
Protein change: p.Ser14Ile; replaces serine 14 with isoleucine.
Molecular consequence: missense variant.
Genome position (GRCh38, 1-based): chr2:178,804,602, C>A on the plus strand (G>T on the coding strand, the complement: TTN is on the minus strand). VCF-style: chr2-178804602-C-A. GRCh37 (hg19) VCF-style: chr2-179669329-C-A.
Other names: c.41G>T, p.Ser14Ile (NM_133378.4, NM_001256850.1, NM_003319.4 and 3 more transcripts); short protein forms S14I.
Identifiers: ClinVar variation 229443 (VCV000229443.9), dbSNP rs771027745, ClinGen allele CA2006446.
Genomic context (GRCh38, chr2:178,804,602, plus strand): 5'-GTGAGCTTACCACTAATGTGAGCCTCAAAGGTTGCGGTACTACCCTCCAGTACCACAACG[C>A]TTTGTAACGGCTGCGTAAACGTCGGTGCTTGAGTTGTCATCTTTCTAGGCACTCTGAAAA-3'
Protein context (NP_001254479.2, residues 4-24): QAPTFTQPLQ[Ser14Ile]VVVLEGSTAT